The following is an entry in ClinVar:

ClinVar aggregate classification (germline): Pathogenic (1 of 4 stars; one submission).

Conditions:
Neuromuscular disease caused by qualitative or quantitative defects of dysferlin. Also called: Dysferlinopathy; Qualitative or quantitative defects of dysferlin. Identifiers: Orphanet 207073, MedGen C2931687, MONDO:0016145.

Submissions (2):

Labcorp Genetics (formerly Invitae), Labcorp
Classification: Pathogenic for Neuromuscular disease caused by qualitative or quantitative defects of dysferlin. Last evaluated: 2023-05-28. Review status: criteria provided, single submitter. Criteria: Invitae Variant Classification Sherloc (09022015). Collection method: clinical testing. Allele origin: germline.
Comment: This sequence change creates a premature translational stop signal (p.Val31*) in the DYSF gene. It is expected to result in an absent or disrupted protein product. Loss-of-function variants in DYSF are known to be pathogenic (PMID: 17698709, 20301480). This variant is not present in population databases (gnomAD no frequency). This variant has not been reported in the literature in individuals affected with DYSF-related conditions. Algorithms developed to predict the effect of sequence changes on RNA splicing suggest that this variant may disrupt the consensus splice site. For these reasons, this variant has been classified as Pathogenic.

Dr. Peter K. Rogan Lab, Western University
No classification provided (evidence only). Condition: Hepatocellular carcinoma. Review status: no classification provided. Collection method: in vitro. Allele origin: not applicable. Functional consequence: retained intron. Not counted in ClinVar's aggregate classification.

Literature cited by the submitters: PubMed 17698709 (cited by Labcorp Genetics (formerly Invitae), Labcorp); PubMed 20301480 (cited by Labcorp Genetics (formerly Invitae), Labcorp).

NM_001130987.2(DYSF):c.94del

Gene: DYSF (dysferlin; plus strand). Cytogenetic location: 2p13.2.
Variant type: Deletion.
Coding change: c.94del on transcript NM_001130987.2 (MANE Select); coding-DNA position 94, one base deleted (G; older notation c.94delG).
Genome position (GRCh38, 1-based): chr2:71,480,885, G deleted; the last of 4 consecutive G bases (chr2:71,480,882-71,480,885); deleting any one gives the same sequence. VCF-style (leftmost placement, unchanged base first): chr2-71480881-AG-A. GRCh37 (hg19) VCF-style: chr2-71708011-AG-A.
Other names: NC_000002.11:g.71708015del.
Identifiers: ClinVar variation 2746135 (VCV002746135.4), dbSNP rs2467168010, ClinGen allele CA2697548223.
Genomic context (GRCh38, chr2:71,480,881, plus strand): 5'-AACTCAGCGGAAGGTGAAAGGCGGGATGTGTCTCTCCATTCTCCCTTTTGTGTCTCTTGT[AG>A]GGGTGAAGAAGAGAACCAAAGTCATCAAGAACAGCGTGAACCCTGTATGGAATGAGGTAT-3'